The following is an entry in ClinVar:

NM_001267550.2(TTN):c.2649C>T (p.Phe883=)

Gene: TTN (titin; minus strand). Cytogenetic location: 2q31.2.
Variant type: single nucleotide variant.
Coding change: c.2649C>T on transcript NM_001267550.2 (MANE Select); coding-DNA position 2649, C replaced by T.
Protein change: p.Phe883=; no amino-acid change (phenylalanine 883 retained).
Molecular consequence: synonymous variant.
Genome position (GRCh38, 1-based): chr2:178,784,196, G>A on the plus strand (C>T on the coding strand, the complement: TTN is on the minus strand). VCF-style: chr2-178784196-G-A. GRCh37 (hg19) VCF-style: chr2-179648923-G-A.
Other names: c.2649C>T, p.Phe883= (NM_133378.4, NM_001256850.1, NM_133379.5); c.2511C>T, p.Phe837= (NM_003319.4, NM_133432.3, NM_133437.4).
Identifiers: ClinVar variation 281985 (VCV000281985.23), dbSNP rs775588479, ClinGen allele CA2005769.
Genomic context (GRCh38, chr2:178,784,196, plus strand): 5'-CCCTACTTCCTTTTTCACCTCAACGCCAGCTTCACTCTTGTAAGTATCTGGTGTGTCAGC[G>A]AAGGGGAACTGTGGCAAGGGTGTGGGCTCTGCCCTTACTCTAGTCTCACTGGGCTTCACA-3'
Protein context (NP_001254479.2, residues 873-893): AEPTPLPQFP[Phe883=]ADTPDTYKSE

ClinVar aggregate classification (germline): Conflicting classifications of pathogenicity. Review status: criteria provided, conflicting classifications (1 of 4 stars). 6 submissions from 6 submitters: Uncertain significance (2); Likely benign (4). Last evaluated 2026-06-18.

Conditions:
TTN-related disorder. Also called: TTN-related condition; TTN-related disease; TTN-related disorders.
Cardiovascular phenotype. Identifiers: MedGen CN230736.
Autosomal recessive limb-girdle muscular dystrophy type 2J (LGMDR10). Also called: MUSCULAR DYSTROPHY, LIMB-GIRDLE, AUTOSOMAL RECESSIVE 10; Limb-girdle muscular dystrophy, type 2J. Identifiers: Orphanet 140922, MedGen C1837342, MONDO:0012127, OMIM 608807.
Dilated cardiomyopathy 1G (CMD1G). Identifiers: Orphanet 154, MedGen C1858763, MONDO:0011400, OMIM 604145.

Allele frequency attached by ClinVar (database versions not stated): ExAC 0.00001; gnomAD 0.00001 and 0.00002; TOPMed 0.00001; gnomAD exomes 0.00002.
gnomAD v4.1: 37 of 1,614,054 alleles (0.0023%); highest among the groups gnomAD compares: South Asian, 0.011%; no homozygotes.

Submissions (6):

PreventionGenetics, part of Exact Sciences
Classification: Likely benign for TTN-related condition. Last evaluated: 2026-06-18. Review status: criteria provided, single submitter. Criteria: ACMG Guidelines, 2015. Collection method: clinical testing. Allele origin: germline.
Comment: This variant is classified as likely benign based on ACMG/AMP sequence variant interpretation guidelines (Richards et al. 2015 PMID: 25741868, with internal and published modifications).

Labcorp Genetics (formerly Invitae), Labcorp
Classification: Likely benign for Dilated cardiomyopathy 1G; Autosomal recessive limb-girdle muscular dystrophy type 2J. Last evaluated: 2026-01-31. Review status: criteria provided, single submitter. Criteria: Invitae Variant Classification Sherloc (09022015). Collection method: clinical testing. Allele origin: germline.

Ambry Genetics
Classification: Likely benign for Cardiovascular phenotype. Last evaluated: 2021-05-27. Review status: criteria provided, single submitter. Criteria: Ambry Variant Classification Scheme 2023. Collection method: clinical testing. Allele origin: germline.

Revvity Omics, Revvity
Classification: Uncertain significance. Last evaluated: 2019-07-10. Review status: criteria provided, single submitter. Criteria: ACMG Guidelines, 2015. Collection method: clinical testing. Allele origin: germline.

Laboratory for Molecular Medicine, Mass General Brigham Personalized Medicine
Classification: Likely benign. Last evaluated: 2018-10-10. Review status: criteria provided, single submitter. Criteria: LMM Criteria. Collection method: clinical testing. Allele origin: germline. Observed: 1 variant allele.
Comment: The p.Phe883Phe variant in TTN is classified as likely benign because it does no t alter an amino acid residue, is not located within the splice consensus site, and computational splice prediction tools do not predict an impact on splicing. It has been identified in 4/245924 of chromosomes by gnomAD. ACMG/AMP Criteria applied: BP4, BP7.

Eurofins Ntd Llc (ga)
Classification: Uncertain significance. Last evaluated: 2015-07-29. Review status: criteria provided, single submitter. Criteria: EGL Classification Definitions 2015. Collection method: clinical testing. Allele origin: germline. Observed: 1 variant allele, 1 heterozygote.